The following is an entry in ClinVar:

NM_201384.3(PLEC):c.4044+4C>G

Gene: PLEC (plectin; minus strand). Cytogenetic location: 8q24.3.
Variant type: single nucleotide variant.
Coding change: c.4044+4C>G on transcript NM_201384.3 (MANE Select); 4 bases into the intron after coding-DNA position 4044, C replaced by G.
Molecular consequence: intron variant.
Genome position (GRCh38, 1-based): chr8:143,926,780, G>C on the plus strand (C>G on the coding strand, the complement: PLEC is on the minus strand). VCF-style: chr8-143926780-G-C. GRCh37 (hg19) VCF-style: chr8-145000948-G-C.
Other names: c.4125+4C>G (NM_000445.5); c.4002+4C>G (NM_201378.4); c.3978+4C>G (NM_201379.3); c.4455+4C>G (NM_201380.4); c.3948+4C>G (NM_201381.3); c.4044+4C>G (NM_201382.4); c.4056+4C>G (NM_201383.3).
Identifiers: ClinVar variation 2064096 (VCV002064096.4), dbSNP rs1271720876, ClinGen allele CA1826046930.
Genomic context (GRCh38, chr8:143,926,780, plus strand): 5'-TGTGTGGGACACAACAGGTGGTGAGATGGAACCCTCTGCCCAGCCTCCGCCCAACGGGCT[G>C]TACCTCCTCCTCCTCCATGCGCCGCAGAGTCTCGCTGATGAACTTGATGTACTGGCTCGT-3'

ClinVar aggregate classification (germline): Uncertain significance (1 of 4 stars; one submission).

Conditions:
Epidermolysis bullosa simplex 5B, with muscular dystrophy (EBS5B). Also called: EPIDERMOLYSIS BULLOSA SIMPLEX AND LIMB-GIRDLE MUSCULAR DYSTROPHY; Epidermolysis bullosa simplex with muscular dystrophy. Identifiers: Orphanet 257, MedGen C2931072, MONDO:0009181, OMIM 226670.
Epidermolysis bullosa simplex 5C, with pyloric atresia (EBS5C). Also called: Epidermolysis bullosa simplex with pyloric atresia; PLEC-Related Epidermolysis Bullosa with Pyloric Atresia; PLEC1-Related Epidermolysis Bullosa with Pyloric Atresia. Identifiers: Orphanet 158684, MedGen C2677349, MONDO:0012807, OMIM 612138.
Epidermolysis bullosa simplex with nail dystrophy (EBS5D). Identifiers: MedGen C4225309, MONDO:0014661, OMIM 616487.
Autosomal recessive limb-girdle muscular dystrophy type 2Q (LGMDR17). Also called: MUSCULAR DYSTROPHY, LIMB-GIRDLE, AUTOSOMAL RECESSIVE 17. Identifiers: Orphanet 254361, MedGen C3150989, MONDO:0013390, OMIM 613723.
Epidermolysis bullosa simplex, Ogna type (EBS5A). Also called: Pidermolysis bullosa simplex 5A, Ogna type; EPIDERMOLYSIS BULLOSA SIMPLEX 5A, OGNA TYPE. Identifiers: Orphanet 79401, MedGen C0432317, MONDO:0007555, OMIM 131950.

gnomAD v4.1: 3 of 1,611,042 alleles (0.00019%); highest among the groups gnomAD compares: Non-Finnish European, 0.00025%; no homozygotes.

Submission:

Labcorp Genetics (formerly Invitae), Labcorp
Classification: Uncertain significance for Autosomal recessive limb-girdle muscular dystrophy type 2Q; Epidermolysis bullosa simplex, Ogna type; Epidermolysis bullosa simplex with nail dystrophy; Epidermolysis bullosa simplex 5C, with pyloric atresia; Epidermolysis bullosa simplex 5B, with muscular dystrophy. Last evaluated: 2022-09-27. Review status: criteria provided, single submitter. Criteria: Invitae Variant Classification Sherloc (09022015). Collection method: clinical testing. Allele origin: germline.
Comment: In summary, the available evidence is currently insufficient to determine the role of this variant in disease. Therefore, it has been classified as a Variant of Uncertain Significance. Variants that disrupt the consensus splice site are a relatively common cause of aberrant splicing (PMID: 17576681, 9536098). Algorithms developed to predict the effect of sequence changes on RNA splicing suggest that this variant is not likely to affect RNA splicing. This variant has not been reported in the literature in individuals affected with PLEC-related conditions. This variant is not present in population databases (gnomAD no frequency). This sequence change falls in intron 31 of the PLEC gene. It does not directly change the encoded amino acid sequence of the PLEC protein. It affects a nucleotide within the consensus splice site.

Literature cited by the submitters: PubMed 17576681; PubMed 9536098.